The following is an entry in ClinVar:

NM_005559.4(LAMA1):c.8420G>A (p.Arg2807Lys)

Gene: LAMA1 (laminin subunit alpha 1; minus strand). Cytogenetic location: 18p11.31.
Variant type: single nucleotide variant.
Coding change: c.8420G>A on transcript NM_005559.4 (MANE Select); coding-DNA position 8420, G replaced by A.
Protein change: p.Arg2807Lys; replaces arginine 2807 with lysine.
Molecular consequence: missense variant.
Genome position (GRCh38, 1-based): chr18:6,949,237, C>T on the plus strand (G>A on the coding strand, the complement: LAMA1 is on the minus strand). VCF-style: chr18-6949237-C-T. GRCh37 (hg19) VCF-style: chr18-6949236-C-T.
Other names: short protein forms R2807K.
Identifiers: ClinVar variation 1350857 (VCV001350857.6), dbSNP rs2143971543, ClinGen allele CA401837207.

ClinVar aggregate classification (germline): Uncertain significance (1 of 4 stars; one submission).

gnomAD v4.1: 1 of 1,614,174 alleles (0.000062%); highest among the groups gnomAD compares: Admixed American, 0.0017%; no homozygotes.

Submission:

Labcorp Genetics (formerly Invitae), Labcorp
Classification: Uncertain significance. Last evaluated: 2021-11-11. Review status: criteria provided, single submitter. Criteria: Invitae Variant Classification Sherloc (09022015). Collection method: clinical testing. Allele origin: germline.
Comment: In summary, the available evidence is currently insufficient to determine the role of this variant in disease. Therefore, it has been classified as a Variant of Uncertain Significance. Algorithms developed to predict the effect of missense changes on protein structure and function output the following: SIFT: "Deleterious"; PolyPhen-2: "Benign"; Align-GVGD: "Class C0". The lysine amino acid residue is found in multiple mammalian species, which suggests that this missense change does not adversely affect protein function. This variant has not been reported in the literature in individuals affected with LAMA1-related conditions. This variant is not present in population databases (gnomAD no frequency). This sequence change replaces arginine, which is basic and polar, with lysine, which is basic and polar, at codon 2807 of the LAMA1 protein (p.Arg2807Lys).